The following is an entry in ClinVar:

ClinVar aggregate classification (germline): Likely benign. Review status: criteria provided, single submitter (1 of 4 stars). 2 submissions from 2 submitters: Likely benign (1). 1 of the submissions does not count toward it. Last evaluated 2024-01-29.

Conditions:
NUP205-related disorder. Also called: NUP205-related condition.

Allele frequency attached by ClinVar (database versions not stated): TOPMed 0.00001; gnomAD 0.00002.
gnomAD v4.1: 21 of 1,613,276 alleles (0.0013%); highest among the groups gnomAD compares: East Asian, 0.0022%; no homozygotes.

Submissions (2):

Blueprint Genetics
Classification: Likely benign. Last evaluated: 2024-01-29. Review status: criteria provided, single submitter. Criteria: ACMG Guidelines, 2015. Collection method: clinical testing. Allele origin: germline.

PreventionGenetics, part of Exact Sciences
Classification: Likely benign for NUP205-related condition. Last evaluated: 2019-06-12. Review status: no assertion criteria provided. Collection method: clinical testing. Allele origin: germline. Not counted in ClinVar's aggregate classification.
Comment: This variant is classified as likely benign based on ACMG/AMP sequence variant interpretation guidelines (Richards et al. 2015 PMID: 25741868, with internal and published modifications).

NM_015135.3(NUP205):c.4005C>T (p.Val1335=)

Gene: NUP205 (nucleoporin 205; plus strand). Cytogenetic location: 7q33.
Variant type: single nucleotide variant.
Coding change: c.4005C>T on transcript NM_015135.3 (MANE Select); coding-DNA position 4005, C replaced by T.
Protein change: p.Val1335=; no amino-acid change (valine 1335 retained).
Molecular consequence: synonymous variant.
Genome position (GRCh38, 1-based): chr7:135,619,464, C>T. VCF-style: chr7-135619464-C-T. GRCh37 (hg19) VCF-style: chr7-135304212-C-T.
Other names: c.2931C>T, p.Val977= (NM_001329434.2).
Identifiers: ClinVar variation 3033078 (VCV003033078.3), dbSNP rs756027118, ClinGen allele CA4498777.